The following is an entry in ClinVar:

NM_145207.3(AFG2A):c.798T>C (p.Asp266=)

Gene: AFG2A (AAA ATPase AFG2A; plus strand). Cytogenetic location: 4q28.1.
Variant type: single nucleotide variant.
Coding change: c.798T>C on transcript NM_145207.3 (MANE Select); coding-DNA position 798, T replaced by C.
Protein change: p.Asp266=; no amino-acid change (aspartic acid 266 retained).
Molecular consequence: synonymous variant.
Genome position (GRCh38, 1-based): chr4:122,934,389, T>C. VCF-style: chr4-122934389-T-C. GRCh37 (hg19) VCF-style: chr4-123855544-T-C.
Other names: p.Asp266=; c.795T>C, p.Asp265= (NM_001317799.2, NM_001345856.2).
Identifiers: ClinVar variation 720790 (VCV000720790.10), dbSNP rs369292228, ClinGen allele CA3070322.

ClinVar aggregate classification (germline): Likely benign. Review status: criteria provided, multiple submitters, no conflicts (2 of 4 stars). 2 submissions from 2 submitters: Likely benign (2). Last evaluated 2025-07-21.

Conditions:
Microcephaly-intellectual disability-sensorineural hearing loss-epilepsy-abnormal muscle tone syndrome (NEDHSB). Also called: NEURODEVELOPMENTAL DISORDER WITH HEARING LOSS, SEIZURES, AND BRAIN ABNORMALITIES. Identifiers: Orphanet 457351, MedGen C4225276, MONDO:0014698, OMIM 616577.

Allele frequency attached by ClinVar (database versions not stated): ExAC 0.00002; gnomAD exomes 0.00001.
gnomAD v4.1: 1 of 1,614,224 alleles (0.000062%); no homozygotes.

Submissions (2):

Labcorp Genetics (formerly Invitae), Labcorp
Classification: Likely benign for Microcephaly-intellectual disability-sensorineural hearing loss-epilepsy-abnormal muscle tone syndrome. Last evaluated: 2025-07-21. Review status: criteria provided, single submitter. Criteria: Invitae Variant Classification Sherloc (09022015). Collection method: clinical testing. Allele origin: germline.

Mayo Clinic Laboratories, Mayo Clinic
Classification: Likely benign. Last evaluated: 2025-06-03. Review status: criteria provided, single submitter. Criteria: ACMG Guidelines, 2015. Collection method: clinical testing. Allele origin: germline. Observed: 1 variant allele.
Comment: BP4, BP7